The following is an entry in ClinVar:

ClinVar aggregate classification (germline): Uncertain significance. Review status: criteria provided, multiple submitters, no conflicts (2 of 4 stars). 2 submissions from 2 submitters: Uncertain significance (2). Last evaluated 2025-08-17.

Conditions:
Hereditary cancer-predisposing syndrome. Also called: Tumor predisposition; Neoplastic Syndromes, Hereditary; Hereditary neoplastic syndrome; Hereditary Cancer Syndrome. Identifiers: Orphanet 140162, MedGen C0027672, MeSH D009386, MONDO:0015356.
Gastrointestinal stromal tumor. Also called: Gastrointestinal stromal tumor, somatic; Gastrointestinal stroma tumor. Identifiers: Orphanet 44890, MedGen C0238198, MeSH D046152, MONDO:0011719, OMIM 606764, HP:0100723.

Submissions (2):

Labcorp Genetics (formerly Invitae), Labcorp
Classification: Uncertain significance for Gastrointestinal stromal tumor. Last evaluated: 2025-08-17. Review status: criteria provided, single submitter. Criteria: Invitae Variant Classification Sherloc (09022015). Collection method: clinical testing. Allele origin: germline.
Comment: This sequence change falls in intron 15 of the KIT gene. It does not directly change the encoded amino acid sequence of the KIT protein. It affects a nucleotide within the consensus splice site. This variant is not present in population databases (gnomAD no frequency). This variant has not been reported in the literature in individuals affected with KIT-related conditions. ClinVar contains an entry for this variant (Variation ID: 1043408). Variants that disrupt the consensus splice site are a relatively common cause of aberrant splicing (PMID: 17576681, 9536098). Algorithms developed to predict the effect of sequence changes on RNA splicing suggest that this variant may disrupt the consensus splice site. In summary, the available evidence is currently insufficient to determine the role of this variant in disease. Therefore, it has been classified as a Variant of Uncertain Significance.

Ambry Genetics
Classification: Uncertain significance for Hereditary cancer-predisposing syndrome. Last evaluated: 2025-05-16. Review status: criteria provided, single submitter. Criteria: Ambry Variant Classification Scheme 2023. Collection method: clinical testing. Allele origin: germline.
Comment: The c.2233+4A>T intronic variant results from an A to T substitution 4 nucleotides after coding exon 15 in the KIT gene. This nucleotide position is not well conserved in available vertebrate species. In silico splice site analysis for this alteration is inconclusive. Based on the available evidence, the clinical significance of this variant remains unclear.

Literature cited by the submitters: PubMed 17576681 (cited by Labcorp Genetics (formerly Invitae), Labcorp); PubMed 9536098 (cited by Labcorp Genetics (formerly Invitae), Labcorp).

NM_000222.3(KIT):c.2233+4A>T

Gene: KIT (KIT proto-oncogene, receptor tyrosine kinase; plus strand). Cytogenetic location: 4q12.
Variant type: single nucleotide variant.
Coding change: c.2233+4A>T on transcript NM_000222.3 (MANE Select); 4 bases into the intron after coding-DNA position 2233, A replaced by T.
Molecular consequence: intron variant.
Genome position (GRCh38, 1-based): chr4:54,731,423, A>T. VCF-style: chr4-54731423-A-T. GRCh37 (hg19) VCF-style: chr4-55597589-A-T.
Other names: c.2233+4A>T (NM_000222.2, NM_001385290.1); c.2236+4A>T (NM_001385284.1); c.2224+4A>T (NM_001385288.1); c.2221+4A>T (NM_001385292.1, NM_001093772.2); c.2230+4A>T (NM_001385285.1); c.2218+4A>T (NM_001385286.1).
Identifiers: ClinVar variation 1043408 (VCV001043408.8), dbSNP rs1722590870, ClinGen allele CA1458742544.